The following is an entry in ClinVar:

ClinVar aggregate classification (germline): Likely benign (1 of 4 stars; one submission).

Conditions:
F13A1-related disorder. Also called: F13A1-related condition.

gnomAD v4.1: 4 of 1,613,330 alleles (0.00025%); highest among the groups gnomAD compares: Admixed American, 0.0067%; no homozygotes.

Submission:

PreventionGenetics, part of Exact Sciences
Classification: Likely benign for F13A1-related condition. Last evaluated: 2025-06-26. Review status: criteria provided, single submitter. Criteria: ACMG Guidelines, 2015. Collection method: clinical testing. Allele origin: germline.
Comment: This variant is classified as likely benign based on ACMG/AMP sequence variant interpretation guidelines (Richards et al. 2015 PMID: 25741868, with internal and published modifications).

NM_000129.4(F13A1):c.1755A>G (p.Lys585=)

Gene: F13A1 (coagulation factor XIII A chain; minus strand). Cytogenetic location: 6p25.1.
Variant type: single nucleotide variant.
Coding change: c.1755A>G on transcript NM_000129.4 (MANE Select); coding-DNA position 1755, A replaced by G.
Protein change: p.Lys585=; no amino-acid change (lysine 585 retained).
Molecular consequence: synonymous variant.
Genome position (GRCh38, 1-based): chr6:6,167,611, T>C on the plus strand (A>G on the coding strand, the complement: F13A1 is on the minus strand). VCF-style: chr6-6167611-T-C. GRCh37 (hg19) VCF-style: chr6-6167844-T-C.
Identifiers: ClinVar variation 5000407 (VCV005000407.1).
Genomic context (GRCh38, chr6:6,167,611, plus strand): 5'-CAGGGACGCTTGTTCCAGCAGCTGACCCATGTACTCGCCGGCTTGGATCAGCACCGCCTC[T>C]TTCTTGACTAGTAGGAGAAAACACACACAGGCCTGGCATCAAGACTTGAGACAGGGTCTG-3'
Protein context (NP_000120.2, residues 575-595): DVTLEPLSFK[Lys585=]EAVLIQAGEY